The following is an entry in ClinVar:

ClinVar aggregate classification (germline): Uncertain significance (1 of 4 stars; one submission).

Conditions:
Hemochromatosis type 4 (HFE4). Also called: HEMOCHROMATOSIS DUE TO DEFECT IN FERROPORTIN; HEMOCHROMATOSIS, AUTOSOMAL DOMINANT; Ferroportin disease. Identifiers: Orphanet 139491, Orphanet 647834, Orphanet 648562, MedGen C1853733, MONDO:0011631, OMIM 606069.

gnomAD v4.1: 3 of 1,614,134 alleles (0.00019%); highest among the groups gnomAD compares: Admixed American, 0.0017%; no homozygotes.

Submission:

Labcorp Genetics (formerly Invitae), Labcorp
Classification: Uncertain significance for Hemochromatosis type 4. Last evaluated: 2024-02-24. Review status: criteria provided, single submitter. Criteria: Invitae Variant Classification Sherloc (09022015). Collection method: clinical testing. Allele origin: germline.
Comment: This sequence change replaces methionine, which is neutral and non-polar, with isoleucine, which is neutral and non-polar, at codon 41 of the SLC40A1 protein (p.Met41Ile). This variant is present in population databases (rs758193749, gnomAD 0.003%). This variant has not been reported in the literature in individuals affected with SLC40A1-related conditions. Advanced modeling of protein sequence and biophysical properties (such as structural, functional, and spatial information, amino acid conservation, physicochemical variation, residue mobility, and thermodynamic stability) performed at Invitae indicates that this missense variant is expected to disrupt SLC40A1 protein function with a positive predictive value of 80%. In summary, the available evidence is currently insufficient to determine the role of this variant in disease. Therefore, it has been classified as a Variant of Uncertain Significance.

NM_014585.6(SLC40A1):c.123G>A (p.Met41Ile)

Gene: SLC40A1 (solute carrier family 40 member 1; minus strand). Cytogenetic location: 2q32.2.
Variant type: single nucleotide variant.
Coding change: c.123G>A on transcript NM_014585.6 (MANE Select); coding-DNA position 123, G replaced by A.
Protein change: p.Met41Ile; replaces methionine 41 with isoleucine.
Molecular consequence: missense variant.
Genome position (GRCh38, 1-based): chr2:189,575,309, C>T on the plus strand (G>A on the coding strand, the complement: SLC40A1 is on the minus strand). VCF-style: chr2-189575309-C-T. GRCh37 (hg19) VCF-style: chr2-190440035-C-T.
Other names: short protein forms M41I.
Identifiers: ClinVar variation 3730743 (VCV003730743.2).